The following is an entry in ClinVar:

NM_001242957.3(MAK):c.571G>A (p.Ala191Thr)

Gene: MAK (male germ cell associated kinase; minus strand). Cytogenetic location: 6p24.2.
Variant type: single nucleotide variant.
Coding change: c.571G>A on transcript NM_001242957.3 (MANE Select); coding-DNA position 571, G replaced by A.
Protein change: p.Ala191Thr; replaces alanine 191 with threonine.
Molecular consequence: missense variant. On other transcripts: non-coding transcript variant (2).
Genome position (GRCh38, 1-based): chr6:10,803,812, C>T on the plus strand (G>A on the coding strand, the complement: MAK is on the minus strand). VCF-style: chr6-10803812-C-T. GRCh37 (hg19) VCF-style: chr6-10804045-C-T.
Other names: c.571G>A, p.Ala191Thr (NM_001242385.2, NM_005906.6); c.469G>A, p.Ala157Thr (NM_001377262.1); short protein forms A157T, A191T.
Identifiers: ClinVar variation 2703731 (VCV002703731.3), dbSNP rs1456951286, ClinGen allele CA362720558.

ClinVar aggregate classification (germline): Uncertain significance (1 of 4 stars; one submission).

Submission:

Labcorp Genetics (formerly Invitae), Labcorp
Classification: Uncertain significance. Last evaluated: 2023-12-17. Review status: criteria provided, single submitter. Criteria: Invitae Variant Classification Sherloc (09022015). Collection method: clinical testing. Allele origin: germline.
Comment: This sequence change replaces alanine, which is neutral and non-polar, with threonine, which is neutral and polar, at codon 191 of the MAK protein (p.Ala191Thr). This variant is present in population databases (no rsID available, gnomAD no frequency). This variant has not been reported in the literature in individuals affected with MAK-related conditions. Advanced modeling of protein sequence and biophysical properties (such as structural, functional, and spatial information, amino acid conservation, physicochemical variation, residue mobility, and thermodynamic stability) performed at Invitae indicates that this missense variant is expected to disrupt MAK protein function with a positive predictive value of 80%. In summary, the available evidence is currently insufficient to determine the role of this variant in disease. Therefore, it has been classified as a Variant of Uncertain Significance.